The following is an entry in ClinVar:

NM_006230.4(POLD2):c.566C>A (p.Pro189Gln)

Gene: POLD2 (DNA polymerase delta 2, accessory subunit; minus strand). Cytogenetic location: 7p13.
Variant type: single nucleotide variant.
Coding change: c.566C>A on transcript NM_006230.4 (MANE Select); coding-DNA position 566, C replaced by A.
Protein change: p.Pro189Gln; replaces proline 189 with glutamine.
Molecular consequence: missense variant.
Genome position (GRCh38, 1-based): chr7:44,117,148, G>T on the plus strand (C>A on the coding strand, the complement: POLD2 is on the minus strand). VCF-style: chr7-44117148-G-T. GRCh37 (hg19) VCF-style: chr7-44156747-G-T.
Other names: c.566C>A, p.Pro189Gln (NM_001127218.3, NM_001256879.2); short protein forms P189Q.
Identifiers: ClinVar variation 1984378 (VCV001984378.4), dbSNP rs778255587, ClinGen allele CA4238808.

ClinVar aggregate classification (germline): Uncertain significance (1 of 4 stars; one submission).

gnomAD v4.1: 9 of 1,613,604 alleles (0.00056%); highest among the groups gnomAD compares: South Asian, 0.0055%; no homozygotes.

Submission:

Labcorp Genetics (formerly Invitae), Labcorp
Classification: Uncertain significance. Last evaluated: 2022-04-11. Review status: criteria provided, single submitter. Criteria: Invitae Variant Classification Sherloc (09022015). Collection method: clinical testing. Allele origin: germline.
Comment: In summary, the available evidence is currently insufficient to determine the role of this variant in disease. Therefore, it has been classified as a Variant of Uncertain Significance. Algorithms developed to predict the effect of missense changes on protein structure and function are either unavailable or do not agree on the potential impact of this missense change (SIFT: "Tolerated"; PolyPhen-2: "Not Available"; Align-GVGD: "Class C0"). This variant has not been reported in the literature in individuals affected with POLD2-related conditions. The frequency data for this variant in the population databases is considered unreliable, as metrics indicate poor data quality at this position in the gnomAD database. This sequence change replaces proline, which is neutral and non-polar, with glutamine, which is neutral and polar, at codon 224 of the POLD2 protein (p.Pro224Gln).